The following is an entry in ClinVar:

ClinVar aggregate classification (germline): Uncertain significance. Review status: criteria provided, multiple submitters, no conflicts (2 of 4 stars). 2 submissions from 2 submitters: Uncertain significance (2). Last evaluated 2020-04-29.

Allele frequency attached by ClinVar (database versions not stated): TOPMed below 0.00001; gnomAD 0.00001; gnomAD exomes 0.00001.
gnomAD v4.1: 10 of 1,614,012 alleles (0.00062%); highest among the groups gnomAD compares: Non-Finnish European, 0.00085%; no homozygotes.

Submissions (2):

Labcorp Genetics (formerly Invitae), Labcorp
Classification: Uncertain significance. Last evaluated: 2020-04-29. Review status: criteria provided, single submitter. Criteria: Invitae Variant Classification Sherloc (09022015). Collection method: clinical testing. Allele origin: germline.
Comment: This sequence change replaces asparagine with serine at codon 457 of the ABCA4 protein (p.Asn457Ser). The asparagine residue is moderately conserved and there is a small physicochemical difference between asparagine and serine. This variant is not present in population databases (ExAC no frequency). This variant has not been reported in the literature in individuals with ABCA4-related conditions. Algorithms developed to predict the effect of missense changes on protein structure and function (SIFT, PolyPhen-2, Align-GVGD) all suggest that this variant is likely to be tolerated, but these predictions have not been confirmed by published functional studies and their clinical significance is uncertain. In summary, the available evidence is currently insufficient to determine the role of this variant in disease. Therefore, it has been classified as a Variant of Uncertain Significance.

Blueprint Genetics
Classification: Uncertain significance. Last evaluated: 2020-03-12. Review status: criteria provided, single submitter. Criteria: ACMG Guidelines, 2015. Collection method: clinical testing. Allele origin: germline.

NM_000350.3(ABCA4):c.1370A>G (p.Asn457Ser)

Gene: ABCA4 (ATP binding cassette subfamily A member 4; minus strand). Cytogenetic location: 1p22.1.
Variant type: single nucleotide variant.
Coding change: c.1370A>G on transcript NM_000350.3 (MANE Select); coding-DNA position 1370, A replaced by G.
Protein change: p.Asn457Ser; replaces asparagine 457 with serine.
Molecular consequence: missense variant.
Genome position (GRCh38, 1-based): chr1:94,077,874, T>C on the plus strand (A>G on the coding strand, the complement: ABCA4 is on the minus strand). VCF-style: chr1-94077874-T-C. GRCh37 (hg19) VCF-style: chr1-94543430-T-C.
Other names: c.1370A>G, p.Asn457Ser (NM_001425324.1); short protein forms N457S.
Identifiers: ClinVar variation 1013919 (VCV001013919.9), dbSNP rs1661579247, ClinGen allele CA341282187.
Genomic context (GRCh38, chr1:94,077,874, plus strand): 5'-GCTTCAGCAGTAATACCTTCTTCACCAAGCTGCCTATTCAAAAAGTCTTTTACTGTTGGG[T>C]TCCCCAGGGTATCCTTGGGAAGAAGAAATACAGTCACTGCTCTGCTTAGAAATTCCATAG-3'
Protein context (NP_000341.2, residues 447-467): QMNMIRDTLG[Asn457Ser]PTVKDFLNRQ